The following is an entry in ClinVar:

ClinVar aggregate classification (germline): Uncertain significance (1 of 4 stars; one submission).

Conditions:
Hereditary cancer-predisposing syndrome. Also called: Tumor predisposition; Hereditary Cancer Syndrome; Neoplastic Syndromes, Hereditary; Hereditary neoplastic syndrome. Identifiers: Orphanet 140162, MedGen C0027672, MeSH D009386, MONDO:0015356.

Allele frequency attached by ClinVar (database versions not stated): gnomAD exomes below 0.00001.
gnomAD v4.1: 1 of 1,601,516 alleles (0.000062%); highest among the groups gnomAD compares: Non-Finnish European, 0.000085%; no homozygotes.

Submission:

Ambry Genetics
Classification: Uncertain significance for Hereditary cancer-predisposing syndrome. Last evaluated: 2018-10-31. Review status: criteria provided, single submitter. Criteria: Ambry Variant Classification Scheme 2023. Collection method: clinical testing. Allele origin: germline.
Comment: The p.F91L variant (also known as c.271T>C), located in coding exon 1 of the VHL gene, results from a T to C substitution at nucleotide position 271. The phenylalanine at codon 91 is replaced by leucine, an amino acid with highly similar properties. A similar alteration (c.273C>G) that results in the same amino acid change was seen in a French VHL family without renal phenotype; however, additional clinical information was not provided (Gallou C et al. Hum. Mutat., 2004 Sep;24:215-24). This amino acid position is highly conserved in available vertebrate species. In addition, this alteration is predicted to be deleterious by in silico analysis. Since supporting evidence is limited at this time, the clinical significance of this alteration remains unclear.

Literature cited by the submitters: PubMed 15300849.

NM_000551.4(VHL):c.271T>C (p.Phe91Leu)

Gene: VHL (von Hippel-Lindau tumor suppressor; plus strand). Cytogenetic location: 3p25.3.
Variant type: single nucleotide variant.
Coding change: c.271T>C on transcript NM_000551.4 (MANE Select); coding-DNA position 271, T replaced by C.
Protein change: p.Phe91Leu; replaces phenylalanine 91 with leucine.
Molecular consequence: missense variant.
Genome position (GRCh38, 1-based): chr3:10,142,118, T>C. VCF-style: chr3-10142118-T-C. GRCh37 (hg19) VCF-style: chr3-10183802-T-C.
Other names: c.271T>C, p.Phe91Leu (NM_001354723.2, NM_198156.3); short protein forms F91L.
Identifiers: ClinVar variation 821712 (VCV000821712.4), dbSNP rs1559426039, ClinGen allele CA351750722.